The following is an entry in ClinVar:

ClinVar aggregate classification (germline): Pathogenic (1 of 4 stars; one submission).

Conditions:
Glycogen storage disease IV, classic hepatic. Also called: GSD IV, CLASSIC HEPATIC. Identifiers: MedGen C1856301.
Glycogen storage disease, type IV (GSD4). Also called: Glycogen storage disease due to glycogen branching enzyme deficiency; AMYLOPECTINOSIS; ANDERSEN DISEASE; BRANCHER DEFICIENCY; CIRRHOSIS, FAMILIAL, WITH DEPOSITION OF ABNORMAL GLYCOGEN; GBE1 DEFICIENCY. Identifiers: Orphanet 367, MedGen C0017923, MONDO:0009292, OMIM 232500.

Submission:

Labcorp Genetics (formerly Invitae), Labcorp
Classification: Pathogenic for Glycogen storage disease, type IV; Glycogen storage disease IV, classic hepatic. Last evaluated: 2023-10-22. Review status: criteria provided, single submitter. Criteria: Invitae Variant Classification Sherloc (09022015). Collection method: clinical testing. Allele origin: germline.
Comment: This sequence change results in a frameshift in the GBE1 gene (p.Ser671Leufs*36). While this is not anticipated to result in nonsense mediated decay, it is expected to disrupt the last 32 amino acid(s) of the GBE1 protein and extend the protein by 3 additional amino acid residues. The frequency data for this variant in the population databases is considered unreliable, as metrics indicate poor data quality at this position in the gnomAD database. This variant has not been reported in the literature in individuals affected with GBE1-related conditions. ClinVar contains an entry for this variant (Variation ID: 1977757). This variant disrupts a region of the GBE1 protein in which other variant(s) (exon 16 deletion) have been determined to be pathogenic (PMID: 18230843). This suggests that this is a clinically significant region of the protein, and that variants that disrupt it are likely to be disease-causing. For these reasons, this variant has been classified as Pathogenic.

Literature cited by the submitters: PubMed 18230843.

NM_000158.4(GBE1):c.2011del (p.Ser671fs)

Gene: GBE1 (1,4-alpha-glucan branching enzyme 1; minus strand). Cytogenetic location: 3p12.2.
Variant type: Deletion.
Coding change: c.2011del on transcript NM_000158.4 (MANE Select); coding-DNA position 2011, one base deleted (T; older notation c.2011delT).
Protein change: p.Ser671fs; shifts the reading frame from serine 671.
Molecular consequence: frameshift variant.
Genome position (GRCh38, 1-based): chr3:81,499,151, A deleted on the plus strand (T on the coding strand, the reverse complement: GBE1 is on the minus strand); the first of 7 consecutive A bases (chr3:81,499,151-81,499,157); deleting any one gives the same sequence. VCF-style (leftmost placement, unchanged base first): chr3-81499150-GA-G. GRCh37 (hg19) VCF-style: chr3-81548301-GA-G.
Other names: short protein forms S671fs.
Identifiers: ClinVar variation 1977757 (VCV001977757.5), dbSNP rs780374709, ClinGen allele CA2499487.
Genomic context (GRCh38, chr3:81,499,150, plus strand): 5'-ATGTTGAGAAACTTACTTACCAAAAGAGAATAGGGACGCCCATTATGTTCAAAAGCCTCA[GA>G]AAAAAAGTCAGTGCTGTGGTCCAGTCTCTGATGCCCTCCATATTCCGCTGCATCTGAATC-3'